The following is an entry in ClinVar:

NM_001042472.3(ABHD12):c.574-6T>G

Gene: ABHD12 (abhydrolase domain containing 12, lysophospholipase; minus strand). Cytogenetic location: 20p11.21.
Variant type: single nucleotide variant.
Coding change: c.574-6T>G on transcript NM_001042472.3 (MANE Select); 6 bases into the intron before coding-DNA position 574, T replaced by G.
Molecular consequence: intron variant.
Genome position (GRCh38, 1-based): chr20:25,314,976, A>C on the plus strand (T>G on the coding strand, the complement: ABHD12 is on the minus strand). VCF-style: chr20-25314976-A-C. GRCh37 (hg19) VCF-style: chr20-25295612-A-C.
Other names: c.574-6T>G (NM_015600.5).
Identifiers: ClinVar variation 1486841 (VCV001486841.6), dbSNP rs1263031594, ClinGen allele CA634954739.

ClinVar aggregate classification (germline): Uncertain significance (1 of 4 stars; one submission).

Allele frequency attached by ClinVar (database versions not stated): gnomAD exomes below 0.00001 and 0.00001; TOPMed below 0.00001; gnomAD 0.00001.

Submission:

Labcorp Genetics (formerly Invitae), Labcorp
Classification: Uncertain significance. Last evaluated: 2022-07-06. Review status: criteria provided, single submitter. Criteria: Invitae Variant Classification Sherloc (09022015). Collection method: clinical testing. Allele origin: germline.
Comment: This sequence change falls in intron 5 of the ABHD12 gene. It does not directly change the encoded amino acid sequence of the ABHD12 protein. In summary, the available evidence is currently insufficient to determine the role of this variant in disease. Therefore, it has been classified as a Variant of Uncertain Significance. Algorithms developed to predict the effect of sequence changes on RNA splicing suggest that this variant may disrupt the consensus splice site. ClinVar contains an entry for this variant (Variation ID: 1486841). This variant has not been reported in the literature in individuals affected with ABHD12-related conditions. This variant is present in population databases (no rsID available, gnomAD 0.0009%).